The following is an entry in ClinVar:

ClinVar aggregate classification (germline): Uncertain significance (1 of 4 stars; one submission).

Conditions:
Amyloidosis, hereditary systemic 1 (AMYLD1). Also called: Familial amyloid polyneuropathy; Transthyretin Amyloidosis; AMYLOID CARDIOMYOPATHY; Hereditary oculoleptomeningeal amyloid angiopathy; Familial Transthyretin Amyloidosis; Isolated Cardiac Amyloidosis. Identifiers: Orphanet 85447, Orphanet 85451, MedGen C2751492, MONDO:0971004, OMIM 105210.

Submission:

Labcorp Genetics (formerly Invitae), Labcorp
Classification: Uncertain significance for Amyloidosis, hereditary systemic 1. Last evaluated: 2025-12-09. Review status: criteria provided, single submitter. Criteria: Invitae Variant Classification Sherloc (09022015). Collection method: clinical testing. Allele origin: germline.
Comment: This sequence change replaces histidine, which is basic and polar, with aspartic acid, which is acidic and polar, at codon 51 of the TTR protein (p.His51Asp). This variant is not present in population databases (gnomAD no frequency). This variant has not been reported in the literature in individuals affected with TTR-related conditions. ClinVar contains an entry for this variant (Variation ID: 2705152). Invitae Evidence Modeling of protein sequence and biophysical properties (such as structural, functional, and spatial information, amino acid conservation, physicochemical variation, residue mobility, and thermodynamic stability) indicates that this missense variant is expected to disrupt TTR protein function with a positive predictive value of 95%. In summary, the available evidence is currently insufficient to determine the role of this variant in disease. Therefore, it has been classified as a Variant of Uncertain Significance.

NM_000371.4(TTR):c.151C>G (p.His51Asp)

Gene: TTR (transthyretin; plus strand). Cytogenetic location: 18q12.1.
Variant type: single nucleotide variant.
Coding change: c.151C>G on transcript NM_000371.4 (MANE Select); coding-DNA position 151, C replaced by G.
Protein change: p.His51Asp; replaces histidine 51 with aspartic acid.
Molecular consequence: missense variant.
Genome position (GRCh38, 1-based): chr18:31,592,977, C>G. VCF-style: chr18-31592977-C-G. GRCh37 (hg19) VCF-style: chr18-29172940-C-G.
Other names: short protein forms H51D.
Identifiers: ClinVar variation 2705152 (VCV002705152.3), dbSNP rs915983905, ClinGen allele CA402156754.